The following is an entry in ClinVar:

ClinVar aggregate classification (germline): Benign (1 of 4 stars; one submission).

Conditions:
Pancreatic cancer, susceptibility to, 1. Identifiers: Orphanet 1333, MedGen C1847351, MONDO:0011739, OMIM 606856.

Allele frequency attached by ClinVar (database versions not stated): gnomAD below 0.00001 and 0.00004; gnomAD exomes 0.00001; 1000 Genomes Project 30x 0.00031; 1000 Genomes Project 0.00040.
gnomAD v4.1: 7 of 232,148 alleles (0.003%); highest among the groups gnomAD compares: South Asian, 0.13%; no homozygotes.

Submission:

Illumina Laboratory Services, Illumina
Classification: Benign for Pancreatic cancer, susceptibility to, 1. Last evaluated: 2018-01-13. Review status: criteria provided, single submitter. Criteria: ICSL Variant Classification Criteria 13 December 2019. Collection method: clinical testing. Allele origin: germline.
Comment: This variant was observed in the ICSL laboratory as part of a predisposition screen in an ostensibly healthy population. It had not been previously curated by ICSL or reported in the Human Gene Mutation Database (HGMD: prior to June 1st, 2018), and was therefore a candidate for classification through an automated scoring system. Utilizing variant allele frequency, disease prevalence and penetrance estimates, and inheritance mode, an automated score was calculated to assess if this variant is too frequent to cause the disease. Based on the score and internal cut-off values, a variant classified as benign is not then subjected to further curation. The score for this variant resulted in a classification of benign for this disease.

NM_001166108.2(PALLD):c.*1132T>C

Genes: PALLD (palladin, cytoskeletal associated protein; plus strand), CBR4 (carbonyl reductase 4; minus strand). Cytogenetic location: 4q32.3.
Variant type: single nucleotide variant.
Coding change: c.*1132T>C on transcript NM_001166108.2 (MANE Select); 1132 bases downstream of the stop codon, T replaced by C.
Molecular consequence: 3 prime UTR variant.
Genome position (GRCh38, 1-based): chr4:168,927,312, T>C. VCF-style: chr4-168927312-T-C. GRCh37 (hg19) VCF-style: chr4-169848463-T-C.
Other names: c.*927T>C (NM_001166109.2, NM_001166110.2, NM_001367568.1 and 1 more transcripts); c.*1132T>C (NM_001367567.1, NM_001367570.1, NM_016081.4).
Identifiers: ClinVar variation 348058 (VCV000348058.5), dbSNP rs575893643, ClinGen allele CA10620484.